The following is an entry in ClinVar:

ClinVar aggregate classification (germline): Pathogenic (1 of 4 stars; one submission).

Conditions:
Cardiovascular phenotype. Identifiers: MedGen CN230736.

Submission:

Ambry Genetics
Classification: Pathogenic for Cardiovascular phenotype. Last evaluated: 2025-05-22. Review status: criteria provided, single submitter. Criteria: Ambry Variant Classification Scheme 2023. Collection method: clinical testing. Allele origin: germline.
Comment: The c.3931delC (p.Q1311Sfs*38) alteration, located in exon 23 (coding exon 23) of the DSP gene, consists of a deletion of one nucleotide at position 3931, causing a translational frameshift with a predicted alternate stop codon after 38 amino acids. This alteration is expected to result in loss of function by premature protein truncation or nonsense-mediated mRNA decay. This variant was not reported in population-based cohorts in the Genome Aggregation Database (gnomAD). Variants in DSP that result in haploinsufficiency or protein truncation have been reported in patients with arrhythmogenic right ventricular cardiomyopathy (ARVC) and dilated cardiomyopathy (DCM) (Fressart, 2010; (Elliott, 2010; Quarta, 2011; Garcia-Pavia, 2011; Rasmussen, 2013; Pugh, 2014). Based on the available evidence, this alteration is classified as pathogenic.

Literature cited by the submitters: PubMed 20400443; PubMed 20716751; PubMed 21606390; PubMed 21859740; PubMed 23137101; PubMed 24503780.

NM_004415.4(DSP):c.3931del (p.Gln1311fs)

Gene: DSP (desmoplakin; plus strand). Cytogenetic location: 6p24.3.
Variant type: Deletion.
Coding change: c.3931del on transcript NM_004415.4 (MANE Select); coding-DNA position 3931, one base deleted (C; older notation c.3931delC).
Protein change: p.Gln1311fs; shifts the reading frame from glutamine 1311.
Molecular consequence: frameshift variant. On other transcripts: intron variant (1).
Genome position (GRCh38, 1-based): chr6:7,580,121, C deleted. VCF-style (leftmost placement, unchanged base first): chr6-7580120-GC-G. GRCh37 (hg19) VCF-style: chr6-7580353-GC-G.
Other names: c.3931del, p.Gln1311fs (NM_001319034.2); c.3582+349del (NM_001008844.3); short protein forms Q1311fs.
Identifiers: ClinVar variation 4015115 (VCV004015115.1).